The following is an entry in ClinVar:

ClinVar aggregate classification (germline): Likely benign. Review status: criteria provided, single submitter (1 of 4 stars). 2 submissions from 2 submitters: Likely benign (1). 1 of the submissions does not count toward it. Last evaluated 2026-01-29.

Conditions:
Aicardi-Goutieres syndrome 6 (AGS6). Identifiers: Orphanet 51, MedGen C3539013, MONDO:0014007, OMIM 615010.
Symmetrical dyschromatosis of extremities (DSH). Also called: Dyschromatosis symmetrica hereditaria; SYMMETRIC DYSCHROMATOSIS OF THE EXTREMITIES; RETICULATE ACROPIGMENTATION OF DOHI; DYSCHROMATOSIS SYMMETRICA HEREDITARIA 1. Identifiers: Orphanet 41, MedGen C0406775, MONDO:0007483, OMIM 127400.
ADAR-related disorder. Also called: ADAR-related disorders; ADAR-related condition.

Allele frequency attached by ClinVar (database versions not stated): gnomAD exomes 0.00003 and 0.00005; TOPMed 0.00003; gnomAD 0.00004; ExAC 0.00005; ESP Exome Variant Server 0.00008.
gnomAD v4.1: 74 of 1,613,930 alleles (0.0046%); highest among the groups gnomAD compares: African/African-American, 0.0067%; no homozygotes.

Submissions (2):

Labcorp Genetics (formerly Invitae), Labcorp
Classification: Likely benign for Aicardi-Goutieres syndrome 6; Symmetrical dyschromatosis of extremities. Last evaluated: 2026-01-29. Review status: criteria provided, single submitter. Criteria: Invitae Variant Classification Sherloc (09022015). Collection method: clinical testing. Allele origin: germline.

PreventionGenetics, part of Exact Sciences
Classification: Likely benign for ADAR-related condition. Last evaluated: 2022-11-29. Review status: no assertion criteria provided. Collection method: clinical testing. Allele origin: germline. Not counted in ClinVar's aggregate classification.
Comment: This variant is classified as likely benign based on ACMG/AMP sequence variant interpretation guidelines (Richards et al. 2015 PMID: 25741868, with internal and published modifications).

NM_001111.5(ADAR):c.2649C>T (p.Val883=)

Genes: ADAR (adenosine deaminase RNA specific; minus strand), LOC126805874 (CDK7 strongly-dependent group 2 enhancer GRCh37_chr1:154561176-154562375; plus strand). Cytogenetic location: 1q21.3.
Variant type: single nucleotide variant.
Coding change: c.2649C>T on transcript NM_001111.5 (MANE Select); coding-DNA position 2649, C replaced by T.
Protein change: p.Val883=; no amino-acid change (valine 883 retained).
Molecular consequence: synonymous variant.
Genome position (GRCh38, 1-based): chr1:154,589,776, G>A on the plus strand (C>T on the coding strand, the complement: ADAR is on the minus strand). VCF-style: chr1-154589776-G-A. GRCh37 (hg19) VCF-style: chr1-154562252-G-A.
Other names: c.1764C>T, p.Val588= (NM_001025107.3, NM_001193495.2, NM_001365046.1 and 2 more transcripts); c.2676C>T, p.Val892= (NM_001365045.1); c.1686C>T, p.Val562= (NM_001365049.1); c.2571C>T, p.Val857= (NM_015840.4); c.2514C>T, p.Val838= (NM_015841.4).
Identifiers: ClinVar variation 772002 (VCV000772002.13), dbSNP rs200989942, ClinGen allele CA1131207.